The following is an entry in ClinVar:

ClinVar aggregate classification (germline): Conflicting classifications of pathogenicity. Review status: criteria provided, conflicting classifications (1 of 4 stars). 7 submissions from 7 submitters: Uncertain significance (5); Likely benign (1). 1 of the submissions does not count toward it. Last evaluated 2026-01-24.

Conditions:
Cardiovascular phenotype. Identifiers: MedGen CN230736.
Alstrom syndrome (ALMS). Identifiers: Orphanet 64, MedGen C0268425, MONDO:0008763, OMIM 203800.

Allele frequency attached by ClinVar (database versions not stated): gnomAD 0.00002 and 0.00003; TOPMed 0.00005; 1000 Genomes Project 0.00060; 1000 Genomes Project 30x 0.00062.
gnomAD v4.1: 39 of 1,614,116 alleles (0.0024%); highest among the groups gnomAD compares: East Asian, 0.076%; no homozygotes.

Submissions (7):

GeneDx
Classification: Uncertain significance. Last evaluated: 2026-01-24. Review status: criteria provided, single submitter. Criteria: GeneDx Variant Classification Process June 2021. Collection method: clinical testing. Allele origin: germline.
Comment: In silico analysis supports that this missense variant has a deleterious effect on protein structure/function; Has not been previously published as pathogenic or benign to our knowledge; In silico analysis is inconclusive as to whether the variant alters gene splicing. In the absence of RNA/functional studies, the actual effect of this sequence change is unknown.

Women's Health and Genetics/Laboratory Corporation of America, LabCorp
Classification: Uncertain significance. Last evaluated: 2025-11-04. Review status: criteria provided, single submitter. Criteria: LabCorp Variant Classification Summary - May 2015. Collection method: clinical testing. Allele origin: germline.

Blueprint Genetics
Classification: Uncertain significance. Last evaluated: 2024-08-30. Review status: criteria provided, single submitter. Criteria: ACMG Guidelines, 2015. Collection method: clinical testing. Allele origin: germline.

Labcorp Genetics (formerly Invitae), Labcorp
Classification: Uncertain significance for Alstrom syndrome. Last evaluated: 2022-10-13. Review status: criteria provided, single submitter. Criteria: Invitae Variant Classification Sherloc (09022015). Collection method: clinical testing. Allele origin: germline.
Comment: This sequence change replaces glutamic acid, which is acidic and polar, with valine, which is neutral and non-polar, at codon 3967 of the ALMS1 protein (p.Glu3967Val). This variant is present in population databases (rs377523400, gnomAD 0.2%). This variant has not been reported in the literature in individuals affected with ALMS1-related conditions. ClinVar contains an entry for this variant (Variation ID: 550493). Experimental studies and prediction algorithms are not available or were not evaluated, and the functional significance of this variant is currently unknown. Algorithms developed to predict the effect of sequence changes on RNA splicing suggest that this variant may disrupt the consensus splice site. In summary, the available evidence is currently insufficient to determine the role of this variant in disease. Therefore, it has been classified as a Variant of Uncertain Significance.

Fulgent Genetics
Classification: Uncertain significance for Alstrom syndrome. Last evaluated: 2022-04-14. Review status: criteria provided, single submitter. Criteria: ACMG Guidelines, 2015. Collection method: clinical testing. Allele origin: unknown.

Ambry Genetics
Classification: Likely benign for Cardiovascular phenotype. Last evaluated: 2021-12-16. Review status: criteria provided, single submitter. Criteria: Ambry Variant Classification Scheme 2023. Collection method: clinical testing. Allele origin: germline.

Counsyl
Classification: Uncertain significance for Alstrom syndrome. Last evaluated: 2017-01-26. Review status: no assertion criteria provided. Collection method: clinical testing. Allele origin: unknown. Not counted in ClinVar's aggregate classification.

NM_001378454.1(ALMS1):c.11897A>T (p.Glu3966Val)

Genes: ALMS1 (ALMS1 centrosome and basal body associated protein; plus strand), LOC126806252 (BRD4-independent group 4 enhancer GRCh37_chr2:73828496-73829695; plus strand). Cytogenetic location: 2p13.1.
Variant type: single nucleotide variant.
Coding change: c.11897A>T on transcript NM_001378454.1 (MANE Select); coding-DNA position 11897, A replaced by T.
Protein change: p.Glu3966Val; replaces glutamic acid 3966 with valine.
Molecular consequence: missense variant.
Genome position (GRCh38, 1-based): chr2:73,601,219, A>T. VCF-style: chr2-73601219-A-T. GRCh37 (hg19) VCF-style: chr2-73828346-A-T.
Other names: c.11900A>T, p.Glu3967Val (NM_015120.4); short protein forms E3967V, E3966V.
Identifiers: ClinVar variation 550493 (VCV000550493.11), dbSNP rs377523400, ClinGen allele CA1715373.